The following is an entry in ClinVar:

NM_003640.5(ELP1):c.1271T>A (p.Val424Glu)

Gene: ELP1 (elongator acetyltransferase complex subunit 1; minus strand). Cytogenetic location: 9q31.3.
Variant type: single nucleotide variant.
Coding change: c.1271T>A on transcript NM_003640.5 (MANE Select); coding-DNA position 1271, T replaced by A.
Protein change: p.Val424Glu; replaces valine 424 with glutamic acid.
Molecular consequence: missense variant.
Genome position (GRCh38, 1-based): chr9:108,911,099, A>T on the plus strand (T>A on the coding strand, the complement: ELP1 is on the minus strand). VCF-style: chr9-108911099-A-T. GRCh37 (hg19) VCF-style: chr9-111673379-A-T.
Other names: c.929T>A, p.Val310Glu (NM_001318360.2); c.224T>A, p.Val75Glu (NM_001330749.2); short protein forms V75E, V310E, V424E.
Identifiers: ClinVar variation 2738788 (VCV002738788.1), dbSNP rs1464125669, ClinGen allele CA374428945.

ClinVar aggregate classification (germline): Uncertain significance (1 of 4 stars; one submission).

Allele frequency attached by ClinVar (database versions not stated): TOPMed below 0.00001; gnomAD exomes 0.00001.
gnomAD v4.1: 9 of 1,614,138 alleles (0.00056%); highest among the groups gnomAD compares: Non-Finnish European, 0.00068%; no homozygotes.

Submission:

Labcorp Genetics (formerly Invitae), Labcorp
Classification: Uncertain significance. Last evaluated: 2024-01-24. Review status: criteria provided, single submitter. Criteria: Invitae Variant Classification Sherloc (09022015). Collection method: clinical testing. Allele origin: germline.
Comment: This sequence change replaces valine, which is neutral and non-polar, with glutamic acid, which is acidic and polar, at codon 424 of the ELP1 protein (p.Val424Glu). This variant is not present in population databases (gnomAD no frequency). This variant has not been reported in the literature in individuals affected with ELP1-related conditions. Advanced modeling of protein sequence and biophysical properties (such as structural, functional, and spatial information, amino acid conservation, physicochemical variation, residue mobility, and thermodynamic stability) performed at Invitae indicates that this missense variant is expected to disrupt ELP1 protein function with a positive predictive value of 80%. In summary, the available evidence is currently insufficient to determine the role of this variant in disease. Therefore, it has been classified as a Variant of Uncertain Significance.